The following is an entry in ClinVar:

NM_007294.4(BRCA1):c.2815_2827del (p.Val939fs)

Gene: BRCA1 (BRCA1 DNA repair associated; minus strand). Cytogenetic location: 17q21.31.
Variant type: Deletion.
Coding change: c.2815_2827del on transcript NM_007294.4 (MANE Select); coding-DNA positions 2815 to 2827, 13 bases deleted (GTTGATAATGCCA).
Protein change: p.Val939fs; shifts the reading frame from valine 939.
Molecular consequence: frameshift variant. On other transcripts: intron variant (137).
Genome position (GRCh38, 1-based): chr17:43,092,704-43,092,716, TGGCATTATCAAC deleted on the plus strand (GTTGATAATGCCA on the coding strand, the reverse complement: BRCA1 is on the minus strand); deleting any 13 consecutive bases within chr17:43,092,704-43,092,720 gives the same sequence; the c. name uses the placement nearest the transcript's 3' end. VCF-style (leftmost placement, unchanged base first): chr17-43092703-TTGGCATTATCAAC-T. GRCh37 (hg19) VCF-style: chr17-41244720-TTGGCATTATCAAC-T.
Other names: c.578-1684_578-1672del (NM_001408513.1, NM_001408482.1, NM_001408484.1 and 9 more transcripts); c.524-1684_524-1672del (NM_001408500.1, NM_001408497.1, NM_001408499.1 and 3 more transcripts); c.788-1684_788-1672del (NM_001407973.1, NM_001407975.1, NM_001407971.1 and 17 more transcripts); c.404-1684_404-1672del (NM_001408511.1); c.647-1684_647-1672del (NM_001408466.1, NM_001408452.1, NM_001408456.1 and 11 more transcripts); c.521-1684_521-1672del (NM_001408503.1, NM_001408504.1, NM_001408505.1); c.2689_2701del, p.Val897fs (NM_001407687.1, NM_001407688.1, NM_001407689.1 and 11 more transcripts); c.2602_2614del, p.Val868fs (NM_001407571.1, NM_001407853.1, NM_001407894.1 and 9 more transcripts); and 42 more; short protein forms V892fs, V939fs, V828fs, V872fs, V936fs, V643fs, V771fs, V811fs.
Identifiers: ClinVar variation 927262 (VCV000927262.4), dbSNP rs2053690127, ClinGen allele CA1139665625.

ClinVar aggregate classification (germline): Pathogenic (1 of 4 stars; one submission).

Conditions:
Hereditary cancer-predisposing syndrome. Also called: Neoplastic Syndromes, Hereditary; Hereditary Cancer Syndrome; Tumor predisposition; Hereditary neoplastic syndrome. Identifiers: Orphanet 140162, MedGen C0027672, MeSH D009386, MONDO:0015356.

Submission:

Color Diagnostics, LLC DBA Color Health
Classification: Pathogenic for Hereditary cancer-predisposing syndrome. Last evaluated: 2020-02-18. Review status: criteria provided, single submitter. Criteria: ACMG Guidelines, 2015. Collection method: clinical testing. Allele origin: germline.
Comment: This variant deletes 13 nucleotides in exon 10 of the BRCA1 gene, creating a frameshift and premature translation stop signal. This variant is expected to result in an absent or non-functional protein product. To our knowledge, functional studies have not been performed for this variant. This variant has not been reported in individuals affected with hereditary cancer in the literature. This variant has not been identified in the general population by the Genome Aggregation Database (gnomAD). Loss of BRCA1 function is a known mechanism of disease. Based on the available evidence, this variant is classified as Pathogenic.